The following is an entry in ClinVar:

NM_000256.3(MYBPC3):c.416C>G (p.Ser139Ter)

Gene: MYBPC3 (myosin binding protein C3; minus strand). Cytogenetic location: 11p11.2.
Variant type: single nucleotide variant.
Coding change: c.416C>G on transcript NM_000256.3 (MANE Select); coding-DNA position 416, C replaced by G.
Protein change: p.Ser139Ter; replaces serine 139 with a stop codon.
Molecular consequence: nonsense.
Genome position (GRCh38, 1-based): chr11:47,350,103, G>C on the plus strand (C>G on the coding strand, the complement: MYBPC3 is on the minus strand). VCF-style: chr11-47350103-G-C. GRCh37 (hg19) VCF-style: chr11-47371654-G-C.
Other names: p.S139*:TCA>TGA; c.416C>G, p.Ser139Ter (LRG_386t1); short protein forms S139*.
Identifiers: ClinVar variation 181138 (VCV000181138.26), dbSNP rs730880704, ClinGen allele CA015047.

ClinVar aggregate classification (germline): Pathogenic/Likely pathogenic. Review status: criteria provided, multiple submitters, no conflicts (2 of 4 stars). 9 submissions from 9 submitters: Pathogenic (7); Likely pathogenic (1). 1 of the submissions does not count toward it. Last evaluated 2025-07-25.

Conditions:
Cardiovascular phenotype. Identifiers: MedGen CN230736.
Cardiomyopathy (CMYO). Also called: Cardiomyopathies. Identifiers: Orphanet 167848, MedGen C0878544, MONDO:0004994, HP:0001638. Inheritance: Various modes of inheritance.
Primary familial hypertrophic cardiomyopathy (HCM). Identifiers: Orphanet 99739, MedGen C0949658, MeSH D024741, MONDO:0024573. Inheritance: Various modes of inheritance.
Hypertrophic cardiomyopathy 4. Also called: Familial hypertrophic cardiomyopathy 4. Identifiers: MedGen C1861862, MONDO:0007268, OMIM 115197.
Hypertrophic cardiomyopathy. Also called: HYPERTROPHIC MYOCARDIOPATHY. Identifiers: Orphanet 217569, MedGen C0007194, MeSH D002312, MONDO:0005045, HP:0001639.

Submissions (9):

Ambry Genetics
Classification: Pathogenic for Cardiovascular phenotype. Last evaluated: 2025-07-25. Review status: criteria provided, single submitter. Criteria: Ambry Variant Classification Scheme 2023. Collection method: clinical testing. Allele origin: germline.
Comment: The p.S139* pathogenic mutation (also known as c.416C>G), located in coding exon 4 of the MYBPC3 gene, results from a C to G substitution at nucleotide position 416. This changes the amino acid from a serine to a stop codon within coding exon 4. This mutation has been detected in individuals with hypertrophic cardiomyopathy (Kassem HSh et al. J Cardiovasc Transl Res, 2013 Feb;6:65-80; Liu X et al. Sci Rep, 2015 Jun;5:11411). This alteration is expected to result in loss of function by premature protein truncation or nonsense-mediated mRNA decay. As such, this alteration is interpreted as a disease-causing mutation.

Labcorp Genetics (formerly Invitae), Labcorp
Classification: Pathogenic for Hypertrophic cardiomyopathy. Last evaluated: 2024-10-13. Review status: criteria provided, single submitter. Criteria: Invitae Variant Classification Sherloc (09022015). Collection method: clinical testing. Allele origin: germline.
Comment: This sequence change creates a premature translational stop signal (p.Ser139*) in the MYBPC3 gene. It is expected to result in an absent or disrupted protein product. Loss-of-function variants in MYBPC3 are known to be pathogenic (PMID: 19574547). This variant is not present in population databases (gnomAD no frequency). This premature translational stop signal has been observed in individuals with hypertrophic cardiomyopathy (PMID: 23233322). ClinVar contains an entry for this variant (Variation ID: 181138). For these reasons, this variant has been classified as Pathogenic.

GeneDx
Classification: Likely pathogenic. Last evaluated: 2023-11-09. Review status: criteria provided, single submitter. Criteria: GeneDx Variant Classification Process June 2021. Collection method: clinical testing. Allele origin: germline. Affected: yes.
Comment: Reported in individuals with HCM in published literature (PMID: 23233322, 26090888); Not observed at significant frequency in large population cohorts (gnomAD); Nonsense variant predicted to result in protein truncation or nonsense mediated decay in a gene for which loss of function is a known mechanism of disease; This variant is associated with the following publications: (PMID: 26090888, 23233322)

All of Us Research Program, National Institutes of Health
Classification: Pathogenic for Hypertrophic cardiomyopathy. Last evaluated: 2023-08-15. Review status: criteria provided, single submitter. Criteria: ACMG Guidelines, 2015. Collection method: clinical testing. Allele origin: germline. Inheritance: Autosomal dominant inheritance. Observed: 1 variant allele, 1 heterozygote.
Comment: This variant changes 1 nucleotide in exon 4 of the MYBPC3 gene, creating a premature translation stop signal. This variant is expected to result in an absent or non-functional protein product. This variant has been reported in four unrelated individuals affected with hypertrophic cardiomyopathy (PMID: 23233322, 26090888). This variant has not been identified in the general population by the Genome Aggregation Database (gnomAD). Loss of MYBPC3 function is a known mechanism of disease. Based on the available evidence, this variant is classified as Pathogenic.

This study involves interpretation of variants in research participants for the purpose of population health screening. Participant phenotype was not available at the time of variant classification. Additional details can be found in publication PMID: 35346344, PMCID: PMC8962531

Color Diagnostics, LLC DBA Color Health
Classification: Pathogenic for Cardiomyopathy. Last evaluated: 2023-06-23. Review status: criteria provided, single submitter. Criteria: ACMG Guidelines, 2015. Collection method: clinical testing. Allele origin: germline.
Comment: This variant changes 1 nucleotide in exon 4 of the MYBPC3 gene, creating a premature translation stop signal. This variant is expected to result in an absent or non-functional protein product. This variant has been reported in 4 unrelated individuals affected with hypertrophic cardiomyopathy (PMID: 23233322, 26090888). This variant has not been identified in the general population by the Genome Aggregation Database (gnomAD). Loss of MYBPC3 function is a known mechanism of disease. Based on the available evidence, this variant is classified as Pathogenic.

Victorian Clinical Genetics Services, Murdoch Childrens Research Institute
Classification: Pathogenic for Hypertrophic cardiomyopathy 4. Last evaluated: 2022-03-31. Review status: criteria provided, single submitter. Criteria: ACMG Guidelines, 2015. Collection method: clinical testing. Allele origin: germline. Affected: yes.
Comment: Based on the classification scheme VCGS_Germline_v1.3.4, this variant is classified as Pathogenic. Following criteria are met: 0102 - Loss of function is a known mechanism of disease in this gene and is associated with hypertrophic cardiomyopathy 4 (HCM; MIM#115197). (I) 0108 - This gene is associated with both recessive and dominant disease. Dominant inheritance is frequently reported in adult onset conditions, however recessive inheritance results in a more severe early onset phenotype (OMIM). (I) 0115 - Variants in this gene are known to have variable expressivity (PMID: 32841044). (I) 0201 - Variant is predicted to cause nonsense-mediated decay (NMD) and loss of protein (premature termination codon is located at least 54 nucleotides upstream of the final exon-exon junction). (SP) 0251 - This variant is heterozygous. (I) 0301 - Variant is absent from gnomAD (both v2 and v3). (SP) 0701 - Other NMD-predicted variants comparable to the one identified in this case have very strong previous evidence for pathogenicity. These variants have been reported many times as pathogenic (DECIPHER). (SP) 0801 - This variant has strong previous evidence of pathogenicity in unrelated individuals. This variant has been reported twice as pathogenic, and observed in several individuals with hypertrophic cardiomyopathy (ClinVar, PMID: 23233322, PMID: 26090888). (SP) 1208 - Inheritance information for this variant is not currently available in this individual. (I) Legend: (SP) - Supporting pathogenic, (I) - Information, (SB) - Supporting benign

CHEO Genetics Diagnostic Laboratory, Children's Hospital of Eastern Ontario
Classification: Pathogenic for Cardiomyopathy. Last evaluated: 2021-10-27. Review status: criteria provided, single submitter. Criteria: ACMG Guidelines, 2015. Collection method: clinical testing. Allele origin: germline.

Molecular Diagnostic Laboratory for Inherited Cardiovascular Disease, Montreal Heart Institute
Classification: Pathogenic for Primary familial hypertrophic cardiomyopathy. Review status: criteria provided, single submitter. Criteria: ACMG Guidelines, 2015. Collection method: clinical testing. Allele origin: germline. Affected: yes.

Zaffran Lab, Genetics of Cardiac Diseases Laboratory, Marseille Medical Genetics
Classification: Likely pathogenic for Hypertrophic cardiomyopathy. Review status: no assertion criteria provided. Collection method: research. Allele origin: unknown. Affected: yes. Not counted in ClinVar's aggregate classification.

Literature cited by the submitters: PubMed 23233322 (cited by 5 submitters); PubMed 26090888 (cited by 4 submitters); PubMed 19574547 (cited by Labcorp Genetics (formerly Invitae), Labcorp); PubMed 32841044 (cited by Victorian Clinical Genetics Services, Murdoch Childrens Research Institute).